The following is an entry in ClinVar:

NM_001164665.2(KIAA1549):c.1028C>G (p.Pro343Arg)

Gene: KIAA1549 (KIAA1549; minus strand). Cytogenetic location: 7q34.
Variant type: single nucleotide variant.
Coding change: c.1028C>G on transcript NM_001164665.2 (MANE Select); coding-DNA position 1028, C replaced by G.
Protein change: p.Pro343Arg; replaces proline 343 with arginine.
Molecular consequence: missense variant.
Genome position (GRCh38, 1-based): chr7:138,918,598, G>C on the plus strand (C>G on the coding strand, the complement: KIAA1549 is on the minus strand). VCF-style: chr7-138918598-G-C. GRCh37 (hg19) VCF-style: chr7-138603344-G-C.
Other names: c.1028C>G, p.Pro343Arg (NM_020910.3); short protein forms P343R.
Identifiers: ClinVar variation 1402812 (VCV001402812.8), dbSNP rs1812428962, ClinGen allele CA369400294.

ClinVar aggregate classification (germline): Uncertain significance (1 of 4 stars; one submission).

Allele frequency attached by ClinVar (database versions not stated): gnomAD exomes below 0.00001; TOPMed 0.00001.
gnomAD v4.1: 2 of 1,614,010 alleles (0.00012%); highest among the groups gnomAD compares: Non-Finnish European, 0.00017%; no homozygotes.

Submission:

Labcorp Genetics (formerly Invitae), Labcorp
Classification: Uncertain significance. Last evaluated: 2024-10-15. Review status: criteria provided, single submitter. Criteria: Invitae Variant Classification Sherloc (09022015). Collection method: clinical testing. Allele origin: germline.
Comment: This sequence change replaces proline, which is neutral and non-polar, with arginine, which is basic and polar, at codon 343 of the KIAA1549 protein (p.Pro343Arg). This variant is not present in population databases (gnomAD no frequency). This variant has not been reported in the literature in individuals affected with KIAA1549-related conditions. ClinVar contains an entry for this variant (Variation ID: 1402812). An algorithm developed to predict the effect of missense changes on protein structure and function outputs the following: PolyPhen-2: "Benign". The arginine amino acid residue is found in multiple mammalian species, which suggests that this missense change does not adversely affect protein function. In summary, the available evidence is currently insufficient to determine the role of this variant in disease. Therefore, it has been classified as a Variant of Uncertain Significance.